The following is an entry in ClinVar:

NM_000079.4(CHRNA1):c.860C>T (p.Thr287Met)

Gene: CHRNA1 (cholinergic receptor nicotinic alpha 1 subunit; minus strand). Cytogenetic location: 2q31.1.
Variant type: single nucleotide variant.
Coding change: c.860C>T on transcript NM_000079.4 (MANE Select); coding-DNA position 860, C replaced by T.
Protein change: p.Thr287Met; replaces threonine 287 with methionine.
Molecular consequence: missense variant.
Genome position (GRCh38, 1-based): chr2:174,750,088, G>A on the plus strand (C>T on the coding strand, the complement: CHRNA1 is on the minus strand). VCF-style: chr2-174750088-G-A. GRCh37 (hg19) VCF-style: chr2-175614816-G-A.
Other names: c.935C>T, p.Thr312Met (NM_001039523.3); short protein forms T312M, T287M.
Identifiers: ClinVar variation 1519782 (VCV001519782.8), dbSNP rs370345788, ClinGen allele CA1974434.

ClinVar aggregate classification (germline): Uncertain significance (1 of 4 stars; one submission).

Conditions:
Lethal multiple pterygium syndrome (LMPS). Identifiers: Orphanet 33108, MedGen C1854678, MONDO:0009668, OMIM 253290.

Allele frequency attached by ClinVar (database versions not stated): ExAC 0.00001; gnomAD exomes 0.00001.

Submission:

Labcorp Genetics (formerly Invitae), Labcorp
Classification: Uncertain significance for Lethal multiple pterygium syndrome. Last evaluated: 2023-01-15. Review status: criteria provided, single submitter. Criteria: Invitae Variant Classification Sherloc (09022015). Collection method: clinical testing. Allele origin: germline.
Comment: This variant has not been reported in the literature in individuals affected with CHRNA1-related conditions. In summary, the available evidence is currently insufficient to determine the role of this variant in disease. Therefore, it has been classified as a Variant of Uncertain Significance. Advanced modeling of protein sequence and biophysical properties (such as structural, functional, and spatial information, amino acid conservation, physicochemical variation, residue mobility, and thermodynamic stability) has been performed at Invitae for this missense variant, however the output from this modeling did not meet the statistical confidence thresholds required to predict the impact of this variant on CHRNA1 protein function. ClinVar contains an entry for this variant (Variation ID: 1519782). This variant is present in population databases (rs370345788, gnomAD 0.003%). This sequence change replaces threonine, which is neutral and polar, with methionine, which is neutral and non-polar, at codon 287 of the CHRNA1 protein (p.Thr287Met).